The following is an entry in ClinVar:

ClinVar aggregate classification (germline): Conflicting classifications of pathogenicity. Review status: criteria provided, conflicting classifications (1 of 4 stars). 8 submissions from 8 submitters: Uncertain significance (5); Likely benign (3). Last evaluated 2026-02-04.

Conditions:
TTN-related disorder. Also called: TTN-related condition; TTN-related disease; TTN-related disorders.
Cardiomyopathy (CMYO). Also called: Cardiomyopathies. Identifiers: Orphanet 167848, MedGen C0878544, MONDO:0004994, HP:0001638. Inheritance: Various modes of inheritance.

Allele frequency attached by ClinVar (database versions not stated): TOPMed 0.00008; gnomAD 0.00013.
gnomAD v4.1: 48 of 1,613,370 alleles (0.003%); highest among the groups gnomAD compares: African/African-American, 0.004%; no homozygotes.

Submissions (8):

PreventionGenetics, part of Exact Sciences
Classification: Uncertain significance for TTN-related condition. Last evaluated: 2026-02-04. Review status: criteria provided, single submitter. Criteria: ACMG Guidelines, 2015. Collection method: clinical testing. Allele origin: germline.
Comment: The TTN c.62534C>G variant is predicted to result in the amino acid substitution p.Thr20845Arg. To our knowledge, this variant has not been reported in the literature. This variant is reported in 0.0083% of alleles in individuals of African descent in gnomAD. At this time, the clinical significance of this variant is uncertain due to the absence of conclusive functional and genetic evidence.

Women's Health and Genetics/Laboratory Corporation of America, LabCorp
Classification: Uncertain significance. Last evaluated: 2025-07-07. Review status: criteria provided, single submitter. Criteria: LabCorp Variant Classification Summary - May 2015. Collection method: clinical testing. Allele origin: germline.
Comment: Variant summary: TTN c.54830C>G (p.Thr18277Arg) results in a non-conservative amino acid change located in the A-band of the encoded protein sequence. Algorithms developed to predict the effect of missense changes on protein structure and function are either unavailable or do not agree on the potential impact of this missense change. The variant allele was found at a frequency of 3.2e-05 in 248568 control chromosomes. The available data on variant occurrences in the general population are insufficient to allow any conclusion about variant significance. To our knowledge, no occurrence of c.54830C>G in individuals affected with Limb-Girdle Muscular Dystrophy, Type 2J and no experimental evidence demonstrating its impact on protein function have been reported. ClinVar contains an entry for this variant (Variation ID: 180054). Based on the evidence outlined above, the variant was classified as uncertain significance.

Molecular Diagnostic Laboratory for Inherited Cardiovascular Disease, Montreal Heart Institute
Classification: Likely benign. Last evaluated: 2025-04-09. Review status: criteria provided, single submitter. Criteria: ACMG Guidelines, 2015. Collection method: clinical testing. Allele origin: germline. Affected: no.

Blueprint Genetics
Classification: Likely benign. Last evaluated: 2024-07-17. Review status: criteria provided, single submitter. Criteria: ACMG Guidelines, 2015. Collection method: clinical testing. Allele origin: germline.

Revvity Omics, Revvity
Classification: Uncertain significance. Last evaluated: 2023-12-20. Review status: criteria provided, single submitter. Criteria: ACMG Guidelines, 2015. Collection method: clinical testing. Allele origin: germline.

GeneDx
Classification: Likely benign. Last evaluated: 2020-12-01. Review status: criteria provided, single submitter. Criteria: GeneDx Variant Classification Process June 2021. Collection method: clinical testing. Allele origin: germline. Affected: yes.

CHEO Genetics Diagnostic Laboratory, Children's Hospital of Eastern Ontario
Classification: Uncertain significance for Cardiomyopathy. Last evaluated: 2019-09-27. Review status: criteria provided, single submitter. Criteria: ACMG Guidelines, 2015. Collection method: clinical testing. Allele origin: germline.

Laboratory for Molecular Medicine, Mass General Brigham Personalized Medicine
Classification: Uncertain significance. Last evaluated: 2015-11-13. Review status: criteria provided, single submitter. Criteria: LMM Criteria. Collection method: clinical testing. Allele origin: germline. Observed: 2 variant alleles.
Comment: This variant has also been identified in 2/66680 Euro pean chromosomes by the Exome Aggregation Consortium (ExAC; dbSNP rs727505316). Computational prediction tools and conservation analysis suggest that the p.Thr18277Arg variant may impact the protein, though t his information is not predictive enough to determine pathogenicity. In summary , the clinical significance of the p.Thr18277Arg variant is uncertain.

NM_001267550.2(TTN):c.62534C>G (p.Thr20845Arg)

Genes: TTN (titin; minus strand), TTN-AS1 (TTN antisense RNA 1; plus strand). Cytogenetic location: 2q31.2.
Variant type: single nucleotide variant.
Coding change: c.62534C>G on transcript NM_001267550.2 (MANE Select); coding-DNA position 62534, C replaced by G.
Protein change: p.Thr20845Arg; replaces threonine 20845 with arginine.
Molecular consequence: missense variant.
Genome position (GRCh38, 1-based): chr2:178,589,191, G>C on the plus strand (C>G on the coding strand, the complement: TTN is on the minus strand). VCF-style: chr2-178589191-G-C. GRCh37 (hg19) VCF-style: chr2-179453918-G-C.
Other names: p.T19204R:ACG>AGG; c.35339C>G, p.Thr11780Arg (NM_003319.4); c.35714C>G, p.Thr11905Arg (NM_133432.3); c.35915C>G, p.Thr11972Arg (NM_133437.4); c.57611C>G, p.Thr19204Arg (NM_001256850.1); c.54830C>G, p.Thr18277Arg (NM_133378.4); short protein forms T18277R, T20845R, T19204R, T11780R, T11905R, T11972R.
Identifiers: ClinVar variation 180054 (VCV000180054.17), dbSNP rs727505316, ClinGen allele CA185719.